The following is an entry in ClinVar:

NM_001164508.2(NEB):c.17845-1G>C

Gene: NEB (nebulin; minus strand). Cytogenetic location: 2q23.3.
Variant type: single nucleotide variant.
Coding change: c.17845-1G>C on transcript NM_001164508.2 (MANE Select); the canonical splice acceptor site of the intron before coding-DNA position 17845, G replaced by C.
Molecular consequence: splice acceptor variant.
Genome position (GRCh38, 1-based): chr2:151,567,480, C>G on the plus strand (G>C on the coding strand, the complement: NEB is on the minus strand). VCF-style: chr2-151567480-C-G. GRCh37 (hg19) VCF-style: chr2-152423994-C-G.
Other names: c.12742-1G>C (NM_004543.5); c.17845-1G>C (NM_001164507.2, NM_001271208.2).
Identifiers: ClinVar variation 1410922 (VCV001410922.6), dbSNP rs1371849916, ClinGen allele CA348804229.
Genomic context (GRCh38, chr2:151,567,480, plus strand): 5'-CATCGTCGGGACACCAACATAATGACCTTTTTGCTTCACATGTTCAGCTTTGTATTTCAG[C>G]TGGCGAGAAGAGGAATATAAATTCCATCAGTTTTGACAAGCACACAAGGCAGAGGGGGCT-3'

ClinVar aggregate classification (germline): Pathogenic (1 of 4 stars; one submission).

Conditions:
Nemaline myopathy 2 (NEM2). Also called: Nemaline myopathy 2, autosomal recessive. Identifiers: MedGen C1850569, MONDO:0009725, OMIM 256030.

Submission:

Labcorp Genetics (formerly Invitae), Labcorp
Classification: Pathogenic for Nemaline myopathy 2. Last evaluated: 2021-11-07. Review status: criteria provided, single submitter. Criteria: Invitae Variant Classification Sherloc (09022015). Collection method: clinical testing. Allele origin: germline.
Comment: For these reasons, this variant has been classified as Pathogenic. Algorithms developed to predict the effect of sequence changes on RNA splicing suggest that this variant may disrupt the consensus splice site. Disruption of this splice site has been observed in individual(s) with clinical features of nemaline myopathy (Invitae). In at least one individual the data is consistent with the variant being in trans (on the opposite chromosome) from a pathogenic variant. This variant is not present in population databases (gnomAD no frequency). This sequence change affects an acceptor splice site in intron 113 of the NEB gene. It is expected to disrupt RNA splicing. Variants that disrupt the donor or acceptor splice site typically lead to a loss of protein function (PMID: 16199547), and loss-of-function variants in NEB are known to be pathogenic (PMID: 25205138).

Literature cited by the submitters: PubMed 16199547; PubMed 25205138.